The following is an entry in ClinVar:

NM_007294.4(BRCA1):c.-20+2T>C

Genes: BRCA1 (BRCA1 DNA repair associated; minus strand), LOC111589215 (BRCA1 promoter region; plus strand). Cytogenetic location: 17q21.31.
Variant type: single nucleotide variant.
Coding change: c.-20+2T>C on transcript NM_007294.4 (MANE Select); the canonical splice donor site of the intron after 20 bases upstream of the start codon, T replaced by C.
Molecular consequence: splice donor variant. On other transcripts: intron variant (141), 5 prime UTR variant (96).
Genome position (GRCh38, 1-based): chr17:43,125,269, A>G on the plus strand (T>C on the coding strand, the complement: BRCA1 is on the minus strand). VCF-style: chr17-43125269-A-G. GRCh37 (hg19) VCF-style: chr17-41277286-A-G.
Other names: c.-306+8T>C (NM_001407846.1); c.-226+8T>C (NM_001407726.1); c.-327+8T>C (NM_001408513.1); c.-280+8T>C (NM_001408503.1, NM_001407943.1, NM_001407748.1 and 9 more transcripts); c.-284+8T>C (NM_001407934.1, NM_001408497.1); c.-192+8T>C (NM_001407973.1, NM_001407596.1); c.-219+2T>C (NM_001407966.1); c.-170+2T>C (NM_001407963.1); and 55 more.
Identifiers: ClinVar variation 577927 (VCV000577927.9), dbSNP rs1567824383, ClinGen allele CA891843744.

ClinVar aggregate classification (germline): Uncertain significance (1 of 4 stars; one submission).

Conditions:
Hereditary breast ovarian cancer syndrome. Also called: Hereditary breast and ovarian cancer; Breast and ovarian cancer; Hereditary breast and ovarian cancer syndrome; BRCA1- and BRCA2-Associated Hereditary Breast and Ovarian Cancer; Hereditary breast and/or ovarian cancer syndrome; Hereditary breast and ovarian cancer syndrome (HBOC). Identifiers: Orphanet 145, MedGen C0677776, MeSH D061325, MONDO:0003582. Disease mechanism: loss of function.

Submission:

Labcorp Genetics (formerly Invitae), Labcorp
Classification: Uncertain significance for Hereditary breast ovarian cancer syndrome. Last evaluated: 2018-05-02. Review status: criteria provided, single submitter. Criteria: Invitae Variant Classification Sherloc (09022015). Collection method: clinical testing. Allele origin: germline.
Comment: In summary, the available evidence is currently insufficient to determine the role of this variant in disease. Therefore, it has been classified as a Variant of Uncertain Significance. Algorithms developed to predict the effect of sequence changes on RNA splicing suggest that this variant may disrupt the consensus splice site, but this prediction has not been confirmed by published transcriptional studies. This variant has not been reported in the literature in individuals with BRCA1-related disease. While this variant is not present in population databases, the frequency information is unreliable, as metrics indicate poor data quality at this position in the ExAC database. This sequence change affects a donor splice site in intron 1 of the BRCA1 gene. It is expected to disrupt the RNA splicing of exon 1 of BRCA1, which does not include coding sequence. The effect of this variant on the BRCA1 protein product is not known.